The following is an entry in ClinVar:

NM_057175.5(NAA15):c.1031A>C (p.Glu344Ala)

Gene: NAA15 (N-alpha-acetyltransferase 15, NatA auxiliary subunit; plus strand). Cytogenetic location: 4q31.1.
Variant type: single nucleotide variant.
Coding change: c.1031A>C on transcript NM_057175.5 (MANE Select); coding-DNA position 1031, A replaced by C.
Protein change: p.Glu344Ala; replaces glutamic acid 344 with alanine.
Molecular consequence: missense variant.
Genome position (GRCh38, 1-based): chr4:139,354,042, A>C. VCF-style: chr4-139354042-A-C. GRCh37 (hg19) VCF-style: chr4-140275196-A-C.
Other names: c.1031A>C, p.Glu344Ala (NM_001410842.1); short protein forms E344A.
Identifiers: ClinVar variation 4762566 (VCV004762566.1).

ClinVar aggregate classification (germline): Uncertain significance (1 of 4 stars; one submission).

Submission:

Labcorp Genetics (formerly Invitae), Labcorp
Classification: Uncertain significance. Last evaluated: 2025-10-08. Review status: criteria provided, single submitter. Criteria: Invitae Variant Classification Sherloc (09022015). Collection method: clinical testing. Allele origin: germline.
Comment: This sequence change replaces glutamic acid, which is acidic and polar, with alanine, which is neutral and non-polar, at codon 344 of the NAA15 protein (p.Glu344Ala). This variant is not present in population databases (gnomAD no frequency). This variant has not been reported in the literature in individuals affected with NAA15-related conditions. An algorithm developed to predict the effect of missense changes on protein structure and function (PolyPhen-2) suggests that this variant is likely to be disruptive. In summary, the available evidence is currently insufficient to determine the role of this variant in disease. Therefore, it has been classified as a Variant of Uncertain Significance.